The following is an entry in ClinVar:

NM_003001.5(SDHC):c.66_74del (p.Cys23_Arg25del)

Gene: SDHC (succinate dehydrogenase complex subunit C; plus strand). Cytogenetic location: 1q23.3.
Variant type: Deletion.
Coding change: c.66_74del on transcript NM_003001.5 (MANE Select); coding-DNA positions 66 to 74, 9 bases deleted (CTGTATCAG; older notation c.66_74delCTGTATCAG).
Protein change: p.Cys23_Arg25del.
Molecular consequence: inframe deletion. On other transcripts: 5 prime UTR variant (2), non-coding transcript variant (1), intron variant (4).
Genome position (GRCh38, 1-based): chr1:161,323,659-161,323,667, CTGTATCAG deleted. VCF-style (leftmost placement, unchanged base first): chr1-161323658-TCTGTATCAG-T. GRCh37 (hg19) VCF-style: chr1-161293448-TCTGTATCAG-T.
Other names: c.66_74del, p.Cys23_Arg25del (NM_001035511.3, NM_001035512.3, NM_001278172.3 and 2 more transcripts); c.-46_-38del (NM_001407119.1); c.-164_-156del (NM_001407120.1); c.21-4737_21-4729del (NM_001407116.1, NM_001407121.1, NM_001407117.1); c.20+9234_20+9242del (NM_001035513.3).
Identifiers: ClinVar variation 2021064 (VCV002021064.5), dbSNP rs2526332998, ClinGen allele CA2580061311.
Genomic context (GRCh38, chr1:161,323,658, plus strand): 5'-TTCTCTTATCTTGCAGACACGTTGGTCGTCATTGCCTCCGAGCCCACTTTAGCCCTCAGC[TCTGTATCAG>T]AAAGTAAGTTTCTAAGTCTGGAGATTATTTATTTATTTTTTTTTTTGAGACGGAGTCTCG-3'

ClinVar aggregate classification (germline): Uncertain significance. Review status: criteria provided, multiple submitters, no conflicts (2 of 4 stars). 2 submissions from 2 submitters: Uncertain significance (2). Last evaluated 2023-06-01.

Conditions:
Gastrointestinal stromal tumor. Also called: Gastrointestinal stromal tumor, somatic; Gastrointestinal stroma tumor. Identifiers: Orphanet 44890, MedGen C0238198, MeSH D046152, MONDO:0011719, OMIM 606764, HP:0100723.
Pheochromocytoma/paraganglioma syndrome 3. Also called: Paragangliomas 3; GLOMUS TUMORS, FAMILIAL, 3; SDHC-Related Hereditary Paraganglioma-Pheochromocytoma Syndrome (Paragangliomas 3); SDHC-Related Hereditary Paraganglioma-Pheochromocytoma Syndrome. Identifiers: Orphanet 29072, MedGen C1854336, MONDO:0011544, OMIM 605373.

Submissions (2):

Blueprint Genetics
Classification: Uncertain significance. Last evaluated: 2023-06-01. Review status: criteria provided, single submitter. Criteria: ACMG Guidelines, 2015. Collection method: clinical testing. Allele origin: germline.

Labcorp Genetics (formerly Invitae), Labcorp
Classification: Uncertain significance for Pheochromocytoma/paraganglioma syndrome 3; Gastrointestinal stromal tumor. Last evaluated: 2022-08-01. Review status: criteria provided, single submitter. Criteria: Invitae Variant Classification Sherloc (09022015). Collection method: clinical testing. Allele origin: germline.
Comment: In summary, the available evidence is currently insufficient to determine the role of this variant in disease. Therefore, it has been classified as a Variant of Uncertain Significance. This variant has not been reported in the literature in individuals affected with SDHC-related conditions. This variant is not present in population databases (gnomAD no frequency). This variant, c.66_74del, results in the deletion of 3 amino acid(s) of the SDHC protein (p.Cys23_Arg25del), but otherwise preserves the integrity of the reading frame.